The following is an entry in ClinVar:

ClinVar aggregate classification (germline): Uncertain significance (1 of 4 stars; one submission).

Conditions:
Hereditary breast ovarian cancer syndrome. Also called: Hereditary breast and ovarian cancer syndrome (HBOC); Breast and ovarian cancer; BRCA1- and BRCA2-Associated Hereditary Breast and Ovarian Cancer; Hereditary breast and ovarian cancer syndrome; Hereditary breast and ovarian cancer; Hereditary breast and/or ovarian cancer syndrome. Identifiers: Orphanet 145, MedGen C0677776, MeSH D061325, MONDO:0003582. Disease mechanism: loss of function.

Submission:

Labcorp Genetics (formerly Invitae), Labcorp
Classification: Uncertain significance for Hereditary breast ovarian cancer syndrome. Last evaluated: 2023-02-21. Review status: criteria provided, single submitter. Criteria: Invitae Variant Classification Sherloc (09022015). Collection method: clinical testing. Allele origin: germline.
Comment: In summary, the available evidence is currently insufficient to determine the role of this variant in disease. Therefore, it has been classified as a Variant of Uncertain Significance. Advanced modeling of protein sequence and biophysical properties (such as structural, functional, and spatial information, amino acid conservation, physicochemical variation, residue mobility, and thermodynamic stability) performed at Invitae indicates that this missense variant is not expected to disrupt BRCA2 protein function. This variant has not been reported in the literature in individuals affected with BRCA2-related conditions. This variant is not present in population databases (gnomAD no frequency). This sequence change replaces lysine, which is basic and polar, with asparagine, which is neutral and polar, at codon 2043 of the BRCA2 protein (p.Lys2043Asn).

NM_000059.4(BRCA2):c.6129A>T (p.Lys2043Asn)

Gene: BRCA2 (BRCA2 DNA repair associated; plus strand). Cytogenetic location: 13q13.1.
Variant type: single nucleotide variant.
Coding change: c.6129A>T on transcript NM_000059.4 (MANE Select); coding-DNA position 6129, A replaced by T.
Protein change: p.Lys2043Asn; replaces lysine 2043 with asparagine.
Molecular consequence: missense variant. On other transcripts: non-coding transcript variant (1), intron variant (2).
Genome position (GRCh38, 1-based): chr13:32,340,484, A>T. VCF-style: chr13-32340484-A-T. GRCh37 (hg19) VCF-style: chr13-32914621-A-T.
Other names: c.6129A>T, p.Lys2043Asn (NM_001406719.1, NM_001406720.1); c.1910-4074A>T (NM_001406721.1); c.425-4074A>T (NM_001406722.1); short protein forms K2043N.
Identifiers: ClinVar variation 2838675 (VCV002838675.3), dbSNP rs2137524577, ClinGen allele CA387788200.